The following is an entry in ClinVar:

ClinVar aggregate classification (germline): Pathogenic (1 of 4 stars; one submission).

Submission:

Labcorp Genetics (formerly Invitae), Labcorp
Classification: Pathogenic. Last evaluated: 2022-07-12. Review status: criteria provided, single submitter. Criteria: Invitae Variant Classification Sherloc (09022015). Collection method: clinical testing. Allele origin: germline.
Comment: This variant has not been reported in the literature in individuals affected with RP2-related conditions. For these reasons, this variant has been classified as Pathogenic. ClinVar contains an entry for this variant (Variation ID: 1454442). This variant is not present in population databases (gnomAD no frequency). This sequence change creates a premature translational stop signal (p.Gln158*) in the RP2 gene. It is expected to result in an absent or disrupted protein product. Loss-of-function variants in RP2 are known to be pathogenic (PMID: 11992260, 20625056).

Literature cited by the submitters: PubMed 11992260; PubMed 20625056.

NM_006915.3(RP2):c.472C>T (p.Gln158Ter)

Gene: RP2 (RP2 activator of ARL3 GTPase; plus strand). Cytogenetic location: Xp11.3.
Variant type: single nucleotide variant.
Coding change: c.472C>T on transcript NM_006915.3 (MANE Select); coding-DNA position 472, C replaced by T.
Protein change: p.Gln158Ter; replaces glutamine 158 with a stop codon.
Molecular consequence: nonsense.
Genome position (GRCh38, 1-based): chrX:46,853,845, C>T. VCF-style: chrX-46853845-C-T. GRCh37 (hg19) VCF-style: chrX-46713280-C-T.
Other names: short protein forms Q158*.
Identifiers: ClinVar variation 1454442 (VCV001454442.6), dbSNP rs2147081382, ClinGen allele CA413040006.
Genomic context (GRCh38, chrX:46,853,845, plus strand): 5'-GAGTCTTCCTCAAATATCAAATTTGGATGTTTTCAATGGTACTATCCTGAATTAGCTTTC[C>T]AGTTCAAAGATGCAGGGCTAAGTATCTTCAACAATACATGGAGTAACATTCATGACTTTA-3'